The following is an entry in ClinVar:

ClinVar aggregate classification (germline): Uncertain significance. Review status: criteria provided, multiple submitters, no conflicts (2 of 4 stars). 2 submissions from 2 submitters: Uncertain significance (2). Last evaluated 2025-08-06.

Conditions:
Aortic aneurysm, familial thoracic 7 (AAT7). Also called: AORTIC DISSECTION, FAMILIAL, WITH OR WITHOUT AORTIC ANEURYSM. Identifiers: MedGen C3151077, MONDO:0013418, OMIM 613780.
Familial thoracic aortic aneurysm and aortic dissection (TAAD). Also called: Thoracic aortic aneurysms and dissections. Identifiers: Orphanet 91387, MedGen C4707243, MONDO:0019625.

Submissions (2):

Ambry Genetics
Classification: Uncertain significance for Familial thoracic aortic aneurysm and aortic dissection. Last evaluated: 2025-08-06. Review status: criteria provided, single submitter. Criteria: Ambry Variant Classification Scheme 2023. Collection method: clinical testing. Allele origin: germline.
Comment: The p.E667G variant (also known as c.2000A>G), located in coding exon 12 of the MYLK gene, results from an A to G substitution at nucleotide position 2000. The glutamic acid at codon 667 is replaced by glycine, an amino acid with similar properties. This amino acid position is conserved. In addition, this alteration is predicted to be tolerated by in silico analysis. Based on the available evidence, the clinical significance of this variant remains unclear.

Labcorp Genetics (formerly Invitae), Labcorp
Classification: Uncertain significance for Aortic aneurysm, familial thoracic 7. Last evaluated: 2024-10-07. Review status: criteria provided, single submitter. Criteria: Invitae Variant Classification Sherloc (09022015). Collection method: clinical testing. Allele origin: germline.
Comment: This sequence change replaces glutamic acid, which is acidic and polar, with glycine, which is neutral and non-polar, at codon 667 of the MYLK protein (p.Glu667Gly). This variant is not present in population databases (gnomAD no frequency). This variant has not been reported in the literature in individuals affected with MYLK-related conditions. Invitae Evidence Modeling of protein sequence and biophysical properties (such as structural, functional, and spatial information, amino acid conservation, physicochemical variation, residue mobility, and thermodynamic stability) indicates that this missense variant is not expected to disrupt MYLK protein function with a negative predictive value of 80%. In summary, the available evidence is currently insufficient to determine the role of this variant in disease. Therefore, it has been classified as a Variant of Uncertain Significance.

NM_053025.4(MYLK):c.2000A>G (p.Glu667Gly)

Gene: MYLK (myosin light chain kinase; minus strand). Cytogenetic location: 3q21.1.
Variant type: single nucleotide variant.
Coding change: c.2000A>G on transcript NM_053025.4 (MANE Select); coding-DNA position 2000, A replaced by G.
Protein change: p.Glu667Gly; replaces glutamic acid 667 with glycine.
Molecular consequence: missense variant.
Genome position (GRCh38, 1-based): chr3:123,708,838, T>C on the plus strand (A>G on the coding strand, the complement: MYLK is on the minus strand). VCF-style: chr3-123708838-T-C. GRCh37 (hg19) VCF-style: chr3-123427685-T-C.
Other names: c.1472A>G, p.Glu491Gly (NM_001321309.2); c.1793A>G, p.Glu598Gly (NM_053026.4, NM_053028.4); c.2000A>G, p.Glu667Gly (NM_053027.4); c.2000A>G (NM_053025.3); short protein forms E491G, E598G, E667G.
Identifiers: ClinVar variation 3712007 (VCV003712007.3).
Genomic context (GRCh38, chr3:123,708,838, plus strand): 5'-GGGAACACTTCCTGGATACAAAGGCTGTGCTGAGTTCCTCTCTGTTCAAAGTGGAAGTCC[T>C]CTGACTCTTGGATCTCATTCCCATTGTGCAGCCAGATGACTTCAGGGGGTGGATTCCCTG-3'
Protein context (NP_444253.3, residues 657-677): LHNGNEIQES[Glu667Gly]DFHFEQRGTQ